The following is an entry in ClinVar:

ClinVar aggregate classification (germline): Benign. Review status: criteria provided, multiple submitters, no conflicts (2 of 4 stars). 3 submissions from 3 submitters: Benign (3). Last evaluated 2026-09-21.

Allele frequency attached by ClinVar (database versions not stated): gnomAD 0.86101 and 0.86287; ESP Exome Variant Server 0.86004; 1000 Genomes Project 0.86282; 1000 Genomes Project 30x 0.86524; gnomAD exomes 0.83349 and 0.84708; TOPMed 0.86490; ExAC 0.84723.
gnomAD v4.1: 1,341,373 of 1,604,436 alleles (84%); highest among the groups gnomAD compares: African/African-American, 93%; 561,834 homozygotes.

Submissions (4):

Molecular Diagnostic Laboratory for Inherited Cardiovascular Disease, Montreal Heart Institute
Classification: Benign. Last evaluated: 2026-09-21. Review status: criteria provided, single submitter. Criteria: ACMG Guidelines, 2015. Collection method: clinical testing. Allele origin: germline. Affected: no.

GeneDx
Classification: Benign. Last evaluated: 2018-06-14. Review status: criteria provided, single submitter. Criteria: GeneDx Variant Classification (06012015). Collection method: clinical testing. Allele origin: germline. Affected: yes.
Comment: This variant is considered likely benign or benign based on one or more of the following criteria: it is a conservative change, it occurs at a poorly conserved position in the protein, it is predicted to be benign by multiple in silico algorithms, and/or has population frequency not consistent with disease.

Breakthrough Genomics
Classification: Benign. Review status: criteria provided, single submitter. Criteria: ACMG Guidelines, 2015. Collection method: not provided. Allele origin: germline. Inheritance: Autosomal recessive inheritance. Affected: yes.

Dr. Peter K. Rogan Lab, Western University
No classification provided (evidence only). Condition: Hepatocellular carcinoma. Review status: no classification provided. Collection method: in vitro. Allele origin: not applicable. Functional consequence: retained intron. Not counted in ClinVar's aggregate classification.

NM_020433.5(JPH2):c.379+36A>G

Gene: JPH2 (junctophilin 2; minus strand). Cytogenetic location: 20q13.12.
Variant type: single nucleotide variant.
Coding change: c.379+36A>G on transcript NM_020433.5 (MANE Select); 36 bases into the intron after coding-DNA position 379, A replaced by G.
Molecular consequence: intron variant.
Genome position (GRCh38, 1-based): chr20:44,186,291, T>C on the plus strand (A>G on the coding strand, the complement: JPH2 is on the minus strand). VCF-style: chr20-44186291-T-C. GRCh37 (hg19) VCF-style: chr20-42814931-T-C.
Other names: NC_000020.10:g.42814931T>C; c.379+36A>G (NM_175913.4).
Identifiers: ClinVar variation 671113 (VCV000671113.4), dbSNP rs6031442, ClinGen allele CA9868877.